The following is an entry in ClinVar:

NM_001042492.3(NF1):c.804A>C (p.Pro268=)

Gene: NF1 (neurofibromin 1; plus strand). Cytogenetic location: 17q11.2.
Variant type: single nucleotide variant.
Coding change: c.804A>C on transcript NM_001042492.3 (MANE Select); coding-DNA position 804, A replaced by C.
Protein change: p.Pro268=; no amino-acid change (proline 268 retained).
Molecular consequence: synonymous variant.
Genome position (GRCh38, 1-based): chr17:31,182,581, A>C. VCF-style: chr17-31182581-A-C. GRCh37 (hg19) VCF-style: chr17-29509599-A-C.
Other names: c.804A>C, p.Pro268= (NM_000267.4, NM_001128147.3).
Identifiers: ClinVar variation 481893 (VCV000481893.10), dbSNP rs759964997, ClinGen allele CA499209237.
Genomic context (GRCh38, chr17:31,182,581, plus strand): 5'-GCTATTTGACTTGGTGGATGGTTTTGCTGAAAGCACCAAACGTAAAGCAGCAGTTTGGCC[A>C]CTACAAATCATTCTCCTTATCTTGTGTCCAGAAATAATCCAGGATATATCCAAAGACGTG-3'
Protein context (NP_001035957.1, residues 258-278): ESTKRKAAVW[Pro268=]LQIILLILCP

ClinVar aggregate classification (germline): Likely benign. Review status: criteria provided, multiple submitters, no conflicts (2 of 4 stars). 3 submissions from 3 submitters: Likely benign (3). Last evaluated 2024-05-08.

Conditions:
Hereditary cancer-predisposing syndrome. Also called: Hereditary neoplastic syndrome; Neoplastic Syndromes, Hereditary; Tumor predisposition; Hereditary Cancer Syndrome. Identifiers: Orphanet 140162, MedGen C0027672, MeSH D009386, MONDO:0015356.
Neurofibromatosis, type 1 (NF1). Also called: VON RECKLINGHAUSEN DISEASE; Peripheral type neurofibromatosis; NEUROFIBROMATOSIS, TYPE I, SOMATIC; Neurofibromatosis, type I. Identifiers: Orphanet 636, MedGen C0027831, MONDO:0018975, OMIM 162200. Disease mechanism: loss of function.

Allele frequency attached by ClinVar (database versions not stated): TOPMed below 0.00001.

Submissions (3):

Labcorp Genetics (formerly Invitae), Labcorp
Classification: Likely benign for Neurofibromatosis, type 1. Last evaluated: 2024-05-08. Review status: criteria provided, single submitter. Criteria: Invitae Variant Classification Sherloc (09022015). Collection method: clinical testing. Allele origin: germline.

Genome-Nilou Lab
Classification: Likely benign for Neurofibromatosis, type 1. Last evaluated: 2022-03-15. Review status: criteria provided, single submitter. Criteria: ACMG Guidelines, 2015. Collection method: clinical testing. Allele origin: germline. Affected: no.

Ambry Genetics
Classification: Likely benign for Hereditary cancer-predisposing syndrome. Last evaluated: 2016-01-22. Review status: criteria provided, single submitter. Criteria: Ambry Autosomal Dominant and X-Linked criteria (10/2015). Collection method: clinical testing. Allele origin: germline. Observed: 1 variant allele.
Comment: Synonymous alterations with insufficient evidence to classify as benign